The following is an entry in ClinVar:

ClinVar aggregate classification (germline): Likely pathogenic. Review status: reviewed by expert panel (3 of 4 stars). 7 submissions from 7 submitters: Likely pathogenic (1). 6 of the submissions do not count toward it. Last evaluated 2024-12-03.

Conditions:
Cardiovascular phenotype. Identifiers: MedGen CN230736.
RASopathy. Also called: Noonan spectrum disorder; rasopathies. Identifiers: Orphanet 536391, MedGen C5555857, MONDO:0021060.
Noonan syndrome (NS). Also called: Noonan's syndrome. Identifiers: Orphanet 648, MedGen C0028326, MeSH D009634, MONDO:0018997. Disease mechanism: gain of function.
Noonan syndrome 5 (NS5). Also called: RAF1-Related Noonan Syndrome. Identifiers: Orphanet 648, MedGen C1969057, MONDO:0012690, OMIM 611553. Disease mechanism: gain of function.

Submissions (7):

ClinGen RASopathy Variant Curation Expert Panel
Classification: Likely pathogenic for RASopathy. Last evaluated: 2024-12-03. Review status: reviewed by expert panel. Criteria: ClinGen RASopathy ACMG Specifications RAF1 V2.3.0. Collection method: curation. Allele origin: germline. Inheritance: Autosomal dominant inheritance.
Comment: The c.768G>T variant in the RAF1 gene is a missense variant predicted to cause substitution of arginine by serine at amino acid 256 (p.Arg256Ser). This variant is absent from gnomAD v2 (PM2_Supporting). The computational predictor REVEL gives a score of 0.665, which does not meet PP3 or BP4. This variant is located in the CR2 critical functional domain as defined by the ClinGen RASopathy Expert Panel (PM1). This variant has been reported in 3 individuals with clinical features of Noonan syndrome (PS4_Moderate, PMIDs: 17603483, 22190897, 31292302). In vitro functional studies provide some evidence that the p.Arg256Ser variant may impact protein function (PMID: 20679480). ERK phosphorylation assay showed that the p.Arg256Ser variant led to significantly increased phosphorylation compared to wild-type (PS3_Supporting; PMID:20679480). In summary, this variant meets criteria to be classified as likely pathogenic for autosomal dominant RASopathies based on ACMG/AMP criteria applied, as specified by the ClinGen RASopathy Variant Curation Expert Panel: PS4_Moderate, PM1, PS3_Supporting, PM2_Supporting (Specification Version 2.3, 12/3/2024)

Labcorp Genetics (formerly Invitae), Labcorp
Classification: Pathogenic for RASopathy. Last evaluated: 2026-01-13. Review status: criteria provided, single submitter. Criteria: Invitae Variant Classification Sherloc (09022015). Collection method: clinical testing. Allele origin: germline. Not counted in ClinVar's aggregate classification.
Comment: This sequence change replaces arginine, which is basic and polar, with serine, which is neutral and polar, at codon 256 of the RAF1 protein (p.Arg256Ser). This variant is not present in population databases (gnomAD no frequency). This missense change has been observed in individuals with Noonan syndrome (PMID: 17603483; internal data). ClinVar contains an entry for this variant (Variation ID: 40599). Invitae Evidence Modeling incorporating data from in vitro experimental studies (internal data) indicates that this missense variant is expected to disrupt RAF1 function with a positive predictive value of 95%. Experimental studies have shown that this missense change affects RAF1 function (PMID: 20679480). This variant disrupts the p.Arg256 amino acid residue in RAF1. Other variant(s) that disrupt this residue have been determined to be pathogenic (internal data). This suggests that this residue is clinically significant, and that variants that disrupt this residue are likely to be disease-causing. For these reasons, this variant has been classified as Pathogenic.

GeneDx
Classification: Pathogenic. Last evaluated: 2025-04-24. Review status: criteria provided, single submitter. Criteria: GeneDx Variant Classification Process June 2021. Collection method: clinical testing. Allele origin: germline. Affected: yes. Not counted in ClinVar's aggregate classification.
Comment: Published functional studies demonstrate a damaging effect on protein localization and activity (PMID: 20679480); Not observed at significant frequency in large population cohorts (gnomAD); Missense variants in this gene are a common cause of disease and they are underrepresented in the general population; In silico analysis supports that this missense variant has a deleterious effect on protein structure/function; This variant is associated with the following publications: (PMID: 24803665, 17603483, 20679480, 39484914, 24957944, 9689060, 15520807, 29493581, 19020799, 37777071)

3billion
Classification: Pathogenic for Noonan syndrome 5. Last evaluated: 2023-12-19. Review status: criteria provided, single submitter. Criteria: ACMG Guidelines, 2015. Collection method: clinical testing. Allele origin: germline. Affected: yes. Not counted in ClinVar's aggregate classification.
Comment: The variant is not observed in the gnomAD v2.1.1 dataset. Predicted Consequence/Location: The variant is located in a mutational hot spot and/or well-established functional domain in which established pathogenic variants have been reported (PMID: 29493581, PMID). Missense changes are a common disease-causing mechanism. Functional studies provide strong evidence of the variant having a damaging effect on the gene or gene product (PMID: 20679480). In silico tool predictions suggest damaging effect of the variant on gene or gene product [REVEL: 0.67 (>=0.6, sensitivity 0.68 and specificity 0.92); 3Cnet: 0.97 (>=0.6, sensitivity 0.72 and precision 0.9)]. Same nucleotide change resulting in same amino acid change has been previously reported as pathogenic/likely pathogenic with strong evidence (ClinVar ID: VCV000040599 /PMID: 17603483 /3billion dataset). A different missense change at the same codon (p.Arg256Gly) has been reported as pathogenic/likely pathogenic with strong evidence (ClinVar ID: VCV000044631 /PMID: 32746448). Therefore, this variant is classified as Pathogenic according to the recommendation of ACMG/AMP guideline.

Ambry Genetics
Classification: Pathogenic for Cardiovascular phenotype. Last evaluated: 2023-10-18. Review status: criteria provided, single submitter. Criteria: Ambry Variant Classification Scheme 2023. Collection method: clinical testing. Allele origin: germline. Not counted in ClinVar's aggregate classification.
Comment: The c.768G>T (p.R256S) alteration is located in exon 7 (coding exon 6) of the RAF1 gene. This alteration results from a G to T substitution at nucleotide position 768, causing the arginine (R) at amino acid position 256 to be replaced by a serine (S). This variant was not reported in population-based cohorts in the Genome Aggregation Database (gnomAD). This variant has been reported as heterozygous in two other individuals with clinical features consistent with RAF1-related RASopathy (Pandit, 2007; Molzan, 2010). Three other alterations at the same codon, c.766A>G (p.R256G), c.767G>A (p.R256K), and c.767G>C (p.R256T) have been detected in affected individuals (Burstein, 2021; Ambry internal data). This amino acid position is highly conserved in available vertebrate species. This variant is located in the conserved region 2 (CR2). The in silico prediction for this alteration is inconclusive. Based on the available evidence, this alteration is classified as pathogenic.

Women's Health and Genetics/Laboratory Corporation of America, LabCorp
Classification: Pathogenic for RASopathy. Last evaluated: 2022-05-02. Review status: criteria provided, single submitter. Criteria: LabCorp Variant Classification Summary - May 2015. Collection method: clinical testing. Allele origin: germline. Not counted in ClinVar's aggregate classification.
Comment: Variant summary: RAF1 c.768G>T (p.Arg256Ser) results in a non-conservative amino acid change in the encoded protein sequence. Four of five in-silico tools predict a damaging effect of the variant on protein function. The variant was absent in 251458 control chromosomes (gnomAD). c.768G>T has been reported in the literature in individuals affected with Noonan Syndrome (Pandit_2007, Digilio_2011, Shoji_2019). These data indicate that the variant is likely to be associated with disease. Experimental evidence evaluating an impact on protein function demonstrated the catalytic activity of the variant was significantly increased compared to wild-type, binding of 14-3-3 proteins to C-RAF was impaired and subcellular localization was altered (Molzan_2010). Two ClinVar submitters including an expert panel (ClinGen RASopathy Variant Curation Expert Panel) (evaluation after 2014) cite the variant as pathogenic. Based on the evidence outlined above, the variant was classified as pathogenic.

Laboratory for Molecular Medicine, Mass General Brigham Personalized Medicine
Classification: Pathogenic for Noonan syndrome. Last evaluated: 2007-09-19. Review status: criteria provided, single submitter. Criteria: LMM Criteria. Collection method: clinical testing. Allele origin: germline. Observed: 2 variant alleles. Not counted in ClinVar's aggregate classification.

Literature cited by the submitters: PubMed 17603483 (cited by 5 submitters); PubMed 20679480 (cited by 4 submitters); PubMed 32746448 (cited by 3billion and Ambry Genetics); PubMed 29493581 (cited by 3billion); PubMed 22190897 (cited by Ambry Genetics and Women's Health and Genetics/Laboratory Corporation of America, LabCorp); PubMed 31292302 (cited by Women's Health and Genetics/Laboratory Corporation of America, LabCorp).

NM_002880.4(RAF1):c.768G>T (p.Arg256Ser)

Gene: RAF1 (Raf-1 proto-oncogene, serine/threonine kinase; minus strand). Cytogenetic location: 3p25.2.
Variant type: single nucleotide variant.
Coding change: c.768G>T on transcript NM_002880.4 (MANE Select); coding-DNA position 768, G replaced by T.
Protein change: p.Arg256Ser; replaces arginine 256 with serine.
Molecular consequence: missense variant. On other transcripts: non-coding transcript variant (3).
Genome position (GRCh38, 1-based): chr3:12,604,202, C>A on the plus strand (G>T on the coding strand, the complement: RAF1 is on the minus strand). VCF-style: chr3-12604202-C-A. GRCh37 (hg19) VCF-style: chr3-12645701-C-A.
Other names: p.R256S:AGG>AGT; NM_002880.3(RAF1):c.768G>T; NM_002880.4(RAF1):c.768G>T; c.768G>T, p.Arg256Ser (NM_001354689.3, NM_001354690.3); c.525G>T, p.Arg175Ser (NM_001354691.3, NM_001354692.3, NM_001354694.3); c.669G>T, p.Arg223Ser (NM_001354693.3); c.426G>T, p.Arg142Ser (NM_001354695.3); short protein forms R256S, R142S, R223S, R175S.
Identifiers: ClinVar variation 40599 (VCV000040599.20), dbSNP rs397516826, ClinGen allele CA261625.
Genomic context (GRCh38, chr3:12,604,202, plus strand): 5'-CATCCTGCTGTCCACAGGCAGGGTGGTGCTGACCATGTGGACATTAGGTGTGGATGTCGA[C>A]CTCTGCCTCTGGGAGAGGGAACCTTCAGATGAGGGACTGGAGGTGTTAAAGGTGAAGGCG-3'
Protein context (NP_002871.1, residues 246-266): SSEGSLSQRQ[Arg256Ser]STSTPNVHMV